The following is an entry in ClinVar:

ClinVar aggregate classification (germline): Uncertain significance (1 of 4 stars; one submission).

Conditions:
Charcot-Marie-Tooth disease type 4. Also called: Charcot-Marie-Tooth, Type 4; Charcot-Marie-Tooth disease, type IV. Identifiers: Orphanet 64749, MedGen C4082197, MONDO:0018995.

Submission:

Labcorp Genetics (formerly Invitae), Labcorp
Classification: Uncertain significance for Charcot-Marie-Tooth disease type 4. Last evaluated: 2021-08-20. Review status: criteria provided, single submitter. Criteria: Invitae Variant Classification Sherloc (09022015). Collection method: clinical testing. Allele origin: germline.
Comment: This sequence change replaces serine with tyrosine at codon 733 of the SH3TC2 protein (p.Ser733Tyr). The serine residue is highly conserved and there is a large physicochemical difference between serine and tyrosine. This variant is not present in population databases (ExAC no frequency). This variant has not been reported in the literature in individuals affected with SH3TC2-related conditions. Advanced modeling of protein sequence and biophysical properties (such as structural, functional, and spatial information, amino acid conservation, physicochemical variation, residue mobility, and thermodynamic stability) performed at Invitae indicates that this missense variant is not expected to disrupt SH3TC2 protein function. In summary, the available evidence is currently insufficient to determine the role of this variant in disease. Therefore, it has been classified as a Variant of Uncertain Significance.

NM_024577.4(SH3TC2):c.2198C>A (p.Ser733Tyr)

Gene: SH3TC2 (SH3 domain and tetratricopeptide repeats 2; minus strand). Cytogenetic location: 5q32.
Variant type: single nucleotide variant.
Coding change: c.2198C>A on transcript NM_024577.4 (MANE Select); coding-DNA position 2198, C replaced by A.
Protein change: p.Ser733Tyr; replaces serine 733 with tyrosine.
Molecular consequence: missense variant.
Genome position (GRCh38, 1-based): chr5:149,027,534, G>T on the plus strand (C>A on the coding strand, the complement: SH3TC2 is on the minus strand). VCF-style: chr5-149027534-G-T. GRCh37 (hg19) VCF-style: chr5-148407097-G-T.
Other names: short protein forms S733Y.
Identifiers: ClinVar variation 1392179 (VCV001392179.6), dbSNP rs2127397284, ClinGen allele CA361666867.